The following is an entry in ClinVar:

ClinVar aggregate classification (germline): Likely benign. Review status: criteria provided, multiple submitters, no conflicts (2 of 4 stars). 3 submissions from 3 submitters: Likely benign (3). Last evaluated 2025-10-07.

Conditions:
Nemaline myopathy 2 (NEM2). Also called: Nemaline myopathy 2, autosomal recessive. Identifiers: MedGen C1850569, MONDO:0009725, OMIM 256030.

Allele frequency attached by ClinVar (database versions not stated): gnomAD exomes below 0.00001 and 0.00010; gnomAD 0.00003; TOPMed 0.00004.
gnomAD v4.1: 153 of 1,612,116 alleles (0.0095%); highest among the groups gnomAD compares: Non-Finnish European, 0.012%; no homozygotes.

Submissions (3):

Labcorp Genetics (formerly Invitae), Labcorp
Classification: Likely benign for Nemaline myopathy 2. Last evaluated: 2025-10-07. Review status: criteria provided, single submitter. Criteria: Invitae Variant Classification Sherloc (09022015). Collection method: clinical testing. Allele origin: germline.

Mayo Clinic Laboratories, Mayo Clinic
Classification: Likely benign. Last evaluated: 2025-03-04. Review status: criteria provided, single submitter. Criteria: ACMG Guidelines, 2015. Collection method: clinical testing. Allele origin: germline. Observed: 1 variant allele.
Comment: BP4, BP7

Blueprint Genetics
Classification: Likely benign. Last evaluated: 2024-11-07. Review status: criteria provided, single submitter. Criteria: ACMG Guidelines, 2015. Collection method: clinical testing. Allele origin: germline.

NM_001164508.2(NEB):c.19245C>T (p.Thr6415=)

Gene: NEB (nebulin; minus strand). Cytogenetic location: 2q23.3.
Variant type: single nucleotide variant.
Coding change: c.19245C>T on transcript NM_001164508.2 (MANE Select); coding-DNA position 19245, C replaced by T.
Protein change: p.Thr6415=; no amino-acid change (threonine 6415 retained).
Molecular consequence: synonymous variant.
Genome position (GRCh38, 1-based): chr2:151,560,661, G>A on the plus strand (C>T on the coding strand, the complement: NEB is on the minus strand). VCF-style: chr2-151560661-G-A. GRCh37 (hg19) VCF-style: chr2-152417175-G-A.
Other names: p.Thr6415=; c.19245C>T, p.Thr6415= (NM_001164507.2, NM_001271208.2); c.14142C>T, p.Thr4714= (NM_004543.5).
Identifiers: ClinVar variation 1122916 (VCV001122916.11), dbSNP rs967486464, ClinGen allele CA57652876.